The following is an entry in ClinVar:

NM_001690.4(ATP6V1A):c.1761+37A>T

Gene: ATP6V1A (ATPase H+ transporting V1 subunit A; plus strand). Cytogenetic location: 3q13.31.
Variant type: single nucleotide variant.
Coding change: c.1761+37A>T on transcript NM_001690.4 (MANE Select); 37 bases into the intron after coding-DNA position 1761, A replaced by T.
Molecular consequence: intron variant.
Genome position (GRCh38, 1-based): chr3:113,805,562, A>T. VCF-style: chr3-113805562-A-T. GRCh37 (hg19) VCF-style: chr3-113524409-A-T.
Identifiers: ClinVar variation 4885467 (VCV004885467.2).
Genomic context (GRCh38, chr3:113,805,562, plus strand): 5'-AAACTTTCCTCCATGAAATTCAAGGTATATTTTGTTTCTGCTGTAACTTTTTTTATTTGG[A>T]AATGCTTCTTTTTTTCTTTTTTTTTTAGACAGAGTCTCACTCTGTTGCGAGGCTGGAGTG-3'

ClinVar aggregate classification (germline): Uncertain significance (1 of 4 stars; one submission).

gnomAD v4.1: 2 of 1,557,546 alleles (0.00013%); highest among the groups gnomAD compares: African/African-American, 0.0028%; no homozygotes.

Submission:

Dasa
Classification: Uncertain significance. Last evaluated: 2026-04-02. Review status: criteria provided, single submitter. Criteria: DASA Assertion Criteria. Collection method: clinical testing. Allele origin: germline.
Comment: NM_001690.4(ATP6V1A):c.1761+37A>T is an intronic variant. This variant is rare in population databases. Computational prediction algorithms are consistent with a deleterious effect. The currently available literature and clinical evidence are not sufficient to establish a definitive association between this variant and the reported condition. Therefore, this variant is classified as a variant of uncertain significance.